The following is an entry in ClinVar:

NM_005592.4(MUSK):c.629-5550C>T

Gene: MUSK (muscle associated receptor tyrosine kinase; plus strand). Cytogenetic location: 9q31.3.
Variant type: single nucleotide variant.
Coding change: c.629-5550C>T on transcript NM_005592.4 (MANE Select); 5550 bases into the intron before coding-DNA position 629, C replaced by T.
Molecular consequence: intron variant. On other transcripts: synonymous variant (1).
Genome position (GRCh38, 1-based): chr9:110,728,701, C>T. VCF-style: chr9-110728701-C-T. GRCh37 (hg19) VCF-style: chr9-113490981-C-T.
Other names: c.642C>T, p.Pro214= (NM_001166280.2); c.629-5550C>T (NM_001166281.2); c.-609+406C>T (NM_001369398.1).
Identifiers: ClinVar variation 3040566 (VCV003040566.2), dbSNP rs781602891, ClinGen allele CA5184112.

ClinVar aggregate classification (germline): Likely benign (0 of 4 stars; one submission).

Conditions:
MUSK-related disorder. Also called: MUSK-related disorders; MUSK-related condition.

Allele frequency attached by ClinVar (database versions not stated): TOPMed 0.00008.
gnomAD v4.1: 134 of 1,584,474 alleles (0.0085%); highest among the groups gnomAD compares: Admixed American, 0.02%; no homozygotes.

Submission:

PreventionGenetics, part of Exact Sciences
Classification: Likely benign for MUSK-related condition. Last evaluated: 2019-10-28. Review status: no assertion criteria provided. Collection method: clinical testing. Allele origin: germline.
Comment: This variant is classified as likely benign based on ACMG/AMP sequence variant interpretation guidelines (Richards et al. 2015 PMID: 25741868, with internal and published modifications).